The following is an entry in ClinVar:

NM_015459.5(ATL3):c.1030C>T (p.Leu344Phe)

Genes: ATL3 (atlastin GTPase 3; minus strand), LNCROPM (lncRNA regulator of PLAAT3 mediated phospholipid metabolism; plus strand). Cytogenetic location: 11q13.1.
Variant type: single nucleotide variant.
Coding change: c.1030C>T on transcript NM_015459.5 (MANE Select); coding-DNA position 1030, C replaced by T.
Protein change: p.Leu344Phe; replaces leucine 344 with phenylalanine.
Molecular consequence: missense variant.
Genome position (GRCh38, 1-based): chr11:63,635,539, G>A on the plus strand (C>T on the coding strand, the complement: ATL3 is on the minus strand). VCF-style: chr11-63635539-G-A. GRCh37 (hg19) VCF-style: chr11-63403011-G-A.
Other names: c.976C>T, p.Leu326Phe (NM_001290048.2); short protein forms L326F, L344F.
Identifiers: ClinVar variation 1943895 (VCV001943895.5), dbSNP rs1422476879, ClinGen allele CA381026316.

ClinVar aggregate classification (germline): Uncertain significance (1 of 4 stars; one submission).

Conditions:
Neuropathy, hereditary sensory, type 1F. Also called: Hereditary sensory neuropathy type IF; HSN IF. Identifiers: Orphanet 36386, MedGen C3810194, MONDO:0014286, OMIM 615632.

Allele frequency attached by ClinVar (database versions not stated): gnomAD exomes below 0.00001; gnomAD 0.00001; TOPMed 0.00001.
gnomAD v4.1: 5 of 1,611,944 alleles (0.00031%); highest among the groups gnomAD compares: Non-Finnish European, 0.00042%; no homozygotes.

Submission:

Labcorp Genetics (formerly Invitae), Labcorp
Classification: Uncertain significance for Neuropathy, hereditary sensory, type 1F. Last evaluated: 2022-04-15. Review status: criteria provided, single submitter. Criteria: Invitae Variant Classification Sherloc (09022015). Collection method: clinical testing. Allele origin: germline.
Comment: This variant has not been reported in the literature in individuals affected with ATL3-related conditions. In summary, the available evidence is currently insufficient to determine the role of this variant in disease. Therefore, it has been classified as a Variant of Uncertain Significance. Algorithms developed to predict the effect of missense changes on protein structure and function are either unavailable or do not agree on the potential impact of this missense change (SIFT: "Deleterious"; PolyPhen-2: "Probably Damaging"; Align-GVGD: "Class C15"). This variant is not present in population databases (gnomAD no frequency). This sequence change replaces leucine, which is neutral and non-polar, with phenylalanine, which is neutral and non-polar, at codon 344 of the ATL3 protein (p.Leu344Phe).